The following is an entry in ClinVar:

ClinVar aggregate classification (germline): Pathogenic/Likely pathogenic. Review status: criteria provided, multiple submitters, no conflicts (2 of 4 stars). 6 submissions from 6 submitters: Pathogenic (2); Likely pathogenic (3). 1 of the submissions does not count toward it. Last evaluated 2024-03-13.

Conditions:
Achromatopsia 2 (ACHM2). Also called: COLORBLINDNESS, TOTAL; ROD MONOCHROMACY 2; ROD MONOCHROMATISM 2. Identifiers: Orphanet 49382, MedGen C1857618, MONDO:0009003, OMIM 216900.
CNGA3-related disorders.

Allele frequency attached by ClinVar (database versions not stated): gnomAD exomes below 0.00001 and 0.00001; ExAC 0.00002; gnomAD 0.00003; TOPMed 0.00003.
gnomAD v4.1: 18 of 1,614,022 alleles (0.0011%); highest among the groups gnomAD compares: East Asian, 0.0022%; no homozygotes.

Submissions (6):

Fulgent Genetics
Classification: Pathogenic for Achromatopsia 2. Last evaluated: 2024-03-13. Review status: criteria provided, single submitter. Criteria: ACMG Guidelines, 2015. Collection method: clinical testing. Allele origin: germline.

Women's Health and Genetics/Laboratory Corporation of America, LabCorp
Classification: Pathogenic for Achromatopsia 2. Last evaluated: 2024-03-13. Review status: criteria provided, single submitter. Criteria: LabCorp Variant Classification Summary - May 2015. Collection method: clinical testing. Allele origin: germline.
Comment: Variant summary: CNGA3 c.1705C>T (p.Arg569Cys) results in a non-conservative amino acid change located in the Cyclic nucleotide-binding domain (IPR000595) of the encoded protein sequence. Five of five in-silico tools predict a damaging effect of the variant on protein function. The variant allele was found at a frequency of 4e-06 in 251326 control chromosomes (gnomAD). c.1705C>T has been reported in the literature in individuals affected with Achromatopsia 2 (Mejecase_2020, Solaki_2022). These data indicate that the variant may be associated with disease. At least one publication reports experimental evidence evaluating an impact on protein function, finding that the variant results in significantly impaired channel function (Solaki_2023). Another missense variant affecting this amino acid (p.Arg569His) has been determined to be pathogenic, suggesting this may be a functionally important residue. The following publications have been ascertained in the context of this evaluation (PMID: 32783370, 35332618). ClinVar contains an entry for this variant (Variation ID: 862038). Based on the evidence outlined above, the variant was classified as pathogenic.

Labcorp Genetics (formerly Invitae), Labcorp
Classification: Likely pathogenic. Last evaluated: 2023-10-13. Review status: criteria provided, single submitter. Criteria: Invitae Variant Classification Sherloc (09022015). Collection method: clinical testing. Allele origin: germline.
Comment: This sequence change replaces arginine, which is basic and polar, with cysteine, which is neutral and slightly polar, at codon 569 of the CNGA3 protein (p.Arg569Cys). This variant is present in population databases (rs757167624, gnomAD 0.005%). This missense change has been observed in individual(s) with clinical features of achromatopsia (PMID: 32783370, 35332618). ClinVar contains an entry for this variant (Variation ID: 862038). Advanced modeling of protein sequence and biophysical properties (such as structural, functional, and spatial information, amino acid conservation, physicochemical variation, residue mobility, and thermodynamic stability) performed at Invitae indicates that this missense variant is expected to disrupt CNGA3 protein function. This variant disrupts the p.Arg569 amino acid residue in CNGA3. Other variant(s) that disrupt this residue have been determined to be pathogenic (PMID: 11536077, 24148654, 26493561, 30337596). This suggests that this residue is clinically significant, and that variants that disrupt this residue are likely to be disease-causing. In summary, the currently available evidence indicates that the variant is pathogenic, but additional data are needed to prove that conclusively. Therefore, this variant has been classified as Likely Pathogenic.

Blueprint Genetics
Classification: Likely pathogenic for CNGA3-related disorders. Last evaluated: 2022-01-20. Review status: criteria provided, single submitter. Criteria: ACMG Guidelines, 2015. Collection method: clinical testing. Allele origin: germline. Affected: yes. Observed: 3 variant alleles.

Juno Genomics, Hangzhou Juno Genomics, Inc
Classification: Likely pathogenic for Achromatopsia 2. Review status: criteria provided, single submitter. Criteria: ACMG Guidelines, 2015. Collection method: clinical testing. Allele origin: germline.
Comment: Absent from controls (or at extremely low frequency if recessive) in Genome Aggregation Database.;Multiple lines of computational evidence support a deleterious effect on the gene or gene product.;Patient's phenotype or family history is highly specific for a disease with a single genetic etiology.;Novel missense change at an amino acid residue where a different missense change determined to be pathogenic has been seen before.

Molecular Genetics Laboratory, Institute for Ophthalmic Research
Classification: Likely pathogenic for Achromatopsia 2. Last evaluated: 2021-04-15. Review status: no assertion criteria provided. Collection method: research. Allele origin: germline. Affected: yes. Not counted in ClinVar's aggregate classification.

Literature cited by the submitters: PubMed 32783370 (cited by Women's Health and Genetics/Laboratory Corporation of America, LabCorp and Labcorp Genetics (formerly Invitae), Labcorp); PubMed 35332618 (cited by Women's Health and Genetics/Laboratory Corporation of America, LabCorp and Labcorp Genetics (formerly Invitae), Labcorp); PubMed 37689994 (cited by Women's Health and Genetics/Laboratory Corporation of America, LabCorp); PubMed 11536077 (cited by Labcorp Genetics (formerly Invitae), Labcorp); PubMed 24148654 (cited by Labcorp Genetics (formerly Invitae), Labcorp); PubMed 26493561 (cited by Labcorp Genetics (formerly Invitae), Labcorp); PubMed 30337596 (cited by Labcorp Genetics (formerly Invitae), Labcorp).

NM_001298.3(CNGA3):c.1705C>T (p.Arg569Cys)

Gene: CNGA3 (cyclic nucleotide gated channel subunit alpha 3; plus strand). Cytogenetic location: 2q11.2.
Variant type: single nucleotide variant.
Coding change: c.1705C>T on transcript NM_001298.3 (MANE Select); coding-DNA position 1705, C replaced by T.
Protein change: p.Arg569Cys; replaces arginine 569 with cysteine.
Molecular consequence: missense variant.
Genome position (GRCh38, 1-based): chr2:98,396,875, C>T. VCF-style: chr2-98396875-C-T. GRCh37 (hg19) VCF-style: chr2-99013338-C-T.
Other names: c.1651C>T, p.Arg551Cys (NM_001079878.2); short protein forms R551C, R569C.
Identifiers: ClinVar variation 862038 (VCV000862038.16), dbSNP rs757167624, ClinGen allele CA1794073.